The following is an entry in ClinVar:

NM_032043.3(BRIP1):c.3595C>G (p.Leu1199Val)

Gene: BRIP1 (BRCA1 interacting DNA helicase 1; minus strand). Cytogenetic location: 17q23.2.
Variant type: single nucleotide variant.
Coding change: c.3595C>G on transcript NM_032043.3 (MANE Select); coding-DNA position 3595, C replaced by G.
Protein change: p.Leu1199Val; replaces leucine 1199 with valine.
Molecular consequence: missense variant.
Genome position (GRCh38, 1-based): chr17:61,683,451, G>C on the plus strand (C>G on the coding strand, the complement: BRIP1 is on the minus strand). VCF-style: chr17-61683451-G-C. GRCh37 (hg19) VCF-style: chr17-59760812-G-C.
Other names: short protein forms L1199V.
Identifiers: ClinVar variation 232557 (VCV000232557.13), dbSNP rs876659839, ClinGen allele CA10580770.

ClinVar aggregate classification (germline): Uncertain significance. Review status: criteria provided, multiple submitters, no conflicts (2 of 4 stars). 2 submissions from 2 submitters: Uncertain significance (2). Last evaluated 2025-06-09.

Conditions:
Hereditary cancer-predisposing syndrome. Also called: Hereditary Cancer Syndrome; Neoplastic Syndromes, Hereditary; Tumor predisposition; Hereditary neoplastic syndrome. Identifiers: Orphanet 140162, MedGen C0027672, MeSH D009386, MONDO:0015356.
Fanconi anemia complementation group J. Also called: BRIP1-Related Fanconi Anemia. Identifiers: Orphanet 84, MedGen C1836860, MONDO:0012187, OMIM 609054.
Familial cancer of breast. Also called: Hereditary breast cancer; hereditary breast carcinoma; BREAST CANCER, FAMILIAL. Identifiers: Orphanet 227535, MedGen C0346153, MONDO:0016419, OMIM 114480. Disease mechanism: loss of function.

Allele frequency attached by ClinVar (database versions not stated): gnomAD exomes below 0.00001.
gnomAD v4.1: 6 of 1,613,356 alleles (0.00037%); highest among the groups gnomAD compares: South Asian, 0.0066%; no homozygotes.

Submissions (2):

Ambry Genetics
Classification: Uncertain significance for Hereditary cancer-predisposing syndrome. Last evaluated: 2025-06-09. Review status: criteria provided, single submitter. Criteria: Ambry Variant Classification Scheme 2023. Collection method: clinical testing. Allele origin: germline.
Comment: The p.L1199V variant (also known as c.3595C>G), located in coding exon 19 of the BRIP1 gene, results from a C to G substitution at nucleotide position 3595. The leucine at codon 1199 is replaced by valine, an amino acid with highly similar properties. This amino acid position is poorly conserved in available vertebrate species. In addition, this alteration is predicted to be tolerated by in silico analysis. Since supporting evidence is limited at this time, the clinical significance of this alteration remains unclear.

Labcorp Genetics (formerly Invitae), Labcorp
Classification: Uncertain significance for Familial cancer of breast; Fanconi anemia complementation group J. Last evaluated: 2025-05-05. Review status: criteria provided, single submitter. Criteria: Invitae Variant Classification Sherloc (09022015). Collection method: clinical testing. Allele origin: germline.
Comment: This sequence change replaces leucine, which is neutral and non-polar, with valine, which is neutral and non-polar, at codon 1199 of the BRIP1 protein (p.Leu1199Val). This variant is present in population databases (no rsID available, gnomAD 0.003%). This variant has not been reported in the literature in individuals affected with BRIP1-related conditions. ClinVar contains an entry for this variant (Variation ID: 232557). Invitae Evidence Modeling of protein sequence and biophysical properties (such as structural, functional, and spatial information, amino acid conservation, physicochemical variation, residue mobility, and thermodynamic stability) indicates that this missense variant is not expected to disrupt BRIP1 protein function with a negative predictive value of 95%. In summary, the available evidence is currently insufficient to determine the role of this variant in disease. Therefore, it has been classified as a Variant of Uncertain Significance.